The following is an entry in ClinVar:

NM_000051.4(ATM):c.1066-2A>G

Gene: ATM (ATM serine/threonine kinase; plus strand). Cytogenetic location: 11q22.3.
Variant type: single nucleotide variant.
Coding change: c.1066-2A>G on transcript NM_000051.4 (MANE Select); the canonical splice acceptor site of the intron before coding-DNA position 1066, A replaced by G.
Molecular consequence: splice acceptor variant.
Genome position (GRCh38, 1-based): chr11:108,248,931, A>G. VCF-style: chr11-108248931-A-G. GRCh37 (hg19) VCF-style: chr11-108119658-A-G.
Other names: c.1066-2A>G (NM_001351834.2).
Identifiers: ClinVar variation 1781706 (VCV001781706.12), dbSNP rs1555069514, ClinGen allele CA382532305.

ClinVar aggregate classification (germline): Pathogenic/Likely pathogenic. Review status: criteria provided, multiple submitters, no conflicts (2 of 4 stars). 5 submissions from 5 submitters: Pathogenic (2); Likely pathogenic (3). Last evaluated 2025-09-08.

Conditions:
Familial cancer of breast. Also called: BREAST CANCER, FAMILIAL; Hereditary breast cancer; hereditary breast carcinoma. Identifiers: Orphanet 227535, MedGen C0346153, MONDO:0016419, OMIM 114480. Disease mechanism: loss of function.
Hereditary cancer-predisposing syndrome. Also called: Tumor predisposition; Neoplastic Syndromes, Hereditary; Hereditary Cancer Syndrome; Hereditary neoplastic syndrome. Identifiers: Orphanet 140162, MedGen C0027672, MeSH D009386, MONDO:0015356.
Ataxia-telangiectasia syndrome (AT). Also called: LOUIS-BAR SYNDROME; Cerebello-oculocutaneous telangiectasia; Immunodeficiency with ataxia telangiectasia; Ataxia-telangiectasia, complementation group D; AT, COMPLEMENTATION GROUP C; ATAXIA-TELANGIECTASIA, COMPLEMENTATION GROUP A. Identifiers: Orphanet 100, MedGen C0004135, MONDO:0008840, OMIM 208900.

Submissions (5):

Clinical Genetics Laboratory, Skane University Hospital Lund
Classification: Pathogenic for Familial cancer of breast. Last evaluated: 2025-09-08. Review status: criteria provided, single submitter. Criteria: ACMG Guidelines, 2015. Collection method: clinical testing. Allele origin: germline. Affected: yes.
Comment: ACMG criteria used: PSV1, PM2, PM5.

Ambry Genetics
Classification: Likely pathogenic for Hereditary cancer-predisposing syndrome. Last evaluated: 2024-12-13. Review status: criteria provided, single submitter. Criteria: Ambry Variant Classification Scheme 2023. Collection method: clinical testing. Allele origin: germline.
Comment: The c.1066-2A>G intronic variant results from an A to G substitution two nucleotides upstream from coding exon 8 in the ATM gene. This variant has been identified in conjunction with other ATM variants in individuals with features consistent with ataxia-telangiectasia (external communication). This variant is considered to be rare based on population cohorts in the Genome Aggregation Database (gnomAD). This nucleotide position is highly conserved in available vertebrate species. In silico splice site analysis predicts that this alteration will weaken the native splice acceptor site. RNA studies have demonstrated that this alteration results in abnormal splicing in the set of samples tested (Ambry internal data). Alterations that disrupt the canonical splice site are expected to cause aberrant splicing, resulting in an abnormal protein or a transcript that is subject to nonsense-mediated mRNA decay. As such, this alteration is classified as likely pathogenic.

Labcorp Genetics (formerly Invitae), Labcorp
Classification: Pathogenic for Ataxia-telangiectasia syndrome. Last evaluated: 2023-08-10. Review status: criteria provided, single submitter. Criteria: Invitae Variant Classification Sherloc (09022015). Collection method: clinical testing. Allele origin: germline.
Comment: Disruption of this splice site has been observed in individual(s) with clinical features of ataxia-telangiectasia (Invitae). This sequence change affects an acceptor splice site in intron 8 of the ATM gene. It is expected to disrupt RNA splicing. Variants that disrupt the donor or acceptor splice site typically lead to a loss of protein function (PMID: 16199547), and loss-of-function variants in ATM are known to be pathogenic (PMID: 23807571, 25614872). This variant is not present in population databases (gnomAD no frequency). ClinVar contains an entry for this variant (Variation ID: 1781706). Algorithms developed to predict the effect of sequence changes on RNA splicing suggest that this variant may disrupt the consensus splice site. For these reasons, this variant has been classified as Pathogenic.

Myriad Genetics, Inc.
Classification: Likely pathogenic for Familial cancer of breast. Last evaluated: 2023-01-13. Review status: criteria provided, single submitter. Criteria: Myriad Autosomal Dominant, Autosomal Recessive and X-Linked Classification Criteria (2023). Collection method: clinical testing. Allele origin: unknown.
Comment: This variant is considered likely pathogenic. This variant occurs within a consensus splice junction and is predicted to result in abnormal mRNA splicing of either an out-of-frame exon or an in-frame exon necessary for protein stability and/or normal function.

Baylor Genetics
Classification: Likely pathogenic for Familial cancer of breast. Last evaluated: 2022-06-15. Review status: criteria provided, single submitter. Criteria: ACMG Guidelines, 2015. Collection method: clinical testing. Allele origin: unknown.

Literature cited by the submitters: PubMed 16199547 (cited by Labcorp Genetics (formerly Invitae), Labcorp); PubMed 23807571 (cited by Labcorp Genetics (formerly Invitae), Labcorp); PubMed 25614872 (cited by Labcorp Genetics (formerly Invitae), Labcorp).